The following is an entry in ClinVar:

NM_001127898.4(CLCN5):c.925C>T (p.Arg309Cys)

Gene: CLCN5 (Cl-/H+ antiporter 5; plus strand). Cytogenetic location: Xp11.23.
Variant type: single nucleotide variant.
Coding change: c.925C>T on transcript NM_001127898.4 (MANE Select); coding-DNA position 925, C replaced by T.
Protein change: p.Arg309Cys; replaces arginine 309 with cysteine.
Molecular consequence: missense variant.
Genome position (GRCh38, 1-based): chrX:50,081,839, C>T. VCF-style: chrX-50081839-C-T. GRCh37 (hg19) VCF-style: chrX-49846496-C-T.
Other names: c.715C>T, p.Arg239Cys (NM_000084.5); c.925C>T, p.Arg309Cys (NM_001127899.4); c.775C>T, p.Arg259Cys (NM_001282163.2); c.715C>T (NM_000084.4); short protein forms R239C, R309C, R259C.
Identifiers: ClinVar variation 368477 (VCV000368477.33), dbSNP rs782056386, ClinGen allele CA10413804.

ClinVar aggregate classification (germline): Conflicting classifications of pathogenicity. Review status: criteria provided, conflicting classifications (1 of 4 stars). 6 submissions from 6 submitters: Uncertain significance (3); Likely benign (2). 1 of the submissions does not count toward it. Last evaluated 2026-09-11.

Conditions:
Dent disease type 1 (DENT1). Also called: NEPHROLITHIASIS 2; NEPHROLITHIASIS, HYPERCALCIURIC, X-LINKED. Identifiers: Orphanet 1652, Orphanet 93622, MedGen C1848336, MONDO:0010225, OMIM 300009.
Proteinuria, low molecular weight, with hypercalciuria and nephrocalcinosis. Identifiers: Orphanet 1652, Orphanet 93622, MedGen C1839874, MONDO:0010644, OMIM 308990.
X-linked recessive nephrolithiasis with renal failure (XRN). Also called: NEPHROLITHIASIS 1; NEPHROLITHIASIS, X-LINKED RECESSIVE, TYPE 1; UROLITHIASIS, X-LINKED RECESSIVE, TYPE 1. Identifiers: Orphanet 1652, Orphanet 93622, MedGen C0403720, MONDO:0010687, OMIM 310468.
Hypophosphatemic rickets, X-linked recessive (XLHRR). Identifiers: Orphanet 1652, Orphanet 93622, MedGen C1845168, MONDO:0010358, OMIM 300554.
CLCN5-related disorder. Also called: CLCN5-related condition.

Allele frequency attached by ClinVar (database versions not stated): TOPMed 0.00007; gnomAD exomes 0.00003 and 0.00007; ExAC 0.00004; gnomAD 0.00006 and 0.00007.
gnomAD v4.1: 99 of 1,204,543 alleles (0.0082%); highest among the groups gnomAD compares: Non-Finnish European, 0.009%; no homozygotes.

Submissions (6):

PreventionGenetics, part of Exact Sciences
Classification: Likely benign for CLCN5-related condition. Last evaluated: 2026-09-11. Review status: criteria provided, single submitter. Criteria: ACMG Guidelines, 2015. Collection method: clinical testing. Allele origin: germline.
Comment: This variant is classified as likely benign based on ACMG/AMP sequence variant interpretation guidelines (Richards et al. 2015 PMID: 25741868, with internal and published modifications).

Labcorp Genetics (formerly Invitae), Labcorp
Classification: Uncertain significance. Last evaluated: 2024-07-17. Review status: criteria provided, single submitter. Criteria: Invitae Variant Classification Sherloc (09022015). Collection method: clinical testing. Allele origin: germline.
Comment: This sequence change replaces arginine, which is basic and polar, with cysteine, which is neutral and slightly polar, at codon 239 of the CLCN5 protein (p.Arg239Cys). This variant is present in population databases (rs782056386, gnomAD 0.006%). This missense change has been observed in individual(s) with clinical features of CLCN5-related conditions (PMID: 30773290). This variant is also known as c.925C>T (p.Arg309Cys). ClinVar contains an entry for this variant (Variation ID: 368477). An algorithm developed to predict the effect of missense changes on protein structure and function (PolyPhen-2) suggests that this variant is likely to be disruptive. In summary, the available evidence is currently insufficient to determine the role of this variant in disease. Therefore, it has been classified as a Variant of Uncertain Significance.

CeGaT Center for Human Genetics Tuebingen
Classification: Likely benign. Last evaluated: 2024-07-01. Review status: criteria provided, single submitter. Criteria: CeGaT Center For Human Genetics Tuebingen Variant Classification Criteria Version 2. Collection method: clinical testing. Allele origin: germline. Affected: yes. Observed: 1 variant allele.
Comment: CLCN5: PM5, PP3, BS2

Fulgent Genetics
Classification: Uncertain significance for Dent disease type 1; Hypophosphatemic rickets, X-linked recessive; Proteinuria, low molecular weight, with hypercalciuria and nephrocalcinosis; X-linked recessive nephrolithiasis with renal failure. Last evaluated: 2024-02-13. Review status: criteria provided, single submitter. Criteria: ACMG Guidelines, 2015. Collection method: clinical testing. Allele origin: germline.

Illumina Laboratory Services, Illumina
Classification: Uncertain significance for Dent disease type 1. Last evaluated: 2024-02-01. Review status: criteria provided, single submitter. Criteria: ISL SNV Classification Criteria 03 February 2026. Collection method: clinical testing. Allele origin: unknown.
Comment: The CLCN5 c.925C>T p.(Arg309Cys) variant, also known as c.905C>T p.(Arg239Cys), has been reported in the literature in a heterozygous state in one individual with a phenotype consistent with Dent disease (PMID:30773290). The highest frequency of this allele in the Genome Aggregation Database is 0.0002953 in the Remaining population (version 4.0.0) which includes 4 hemizygotes. Multiple lines of computational evidence suggest the variant may impact the gene or gene product. Based on the evidence, the c.925C>T p.(Arg309Cys) variant is classified as a variant of uncertain significance for Dent disease.

Yale Center for Mendelian Genomics, Yale University
Classification: Likely pathogenic for Dent disease type 1. Last evaluated: 2019-02-14. Review status: no assertion criteria provided. Collection method: literature only. Allele origin: germline. Affected: yes. Observed: 1 hemizygote. Study: Yale Center for Mendelian Genomics. Not counted in ClinVar's aggregate classification.

Literature cited by the submitters: PubMed 30773290 (cited by 3 submitters).